The following is an entry in ClinVar:

ClinVar aggregate classification (germline): Likely benign (0 of 4 stars; one submission).

Conditions:
LAMP2-related disorder. Also called: LAMP2-related condition.

Allele frequency attached by ClinVar (database versions not stated): ExAC 0.00001; TOPMed 0.00001; gnomAD exomes 0.00002.

Submission:

PreventionGenetics, part of Exact Sciences
Classification: Likely benign for LAMP2-related condition. Last evaluated: 2023-08-16. Review status: no assertion criteria provided. Collection method: clinical testing. Allele origin: germline.
Comment: This variant is classified as likely benign based on ACMG/AMP sequence variant interpretation guidelines (Richards et al. 2015 PMID: 25741868, with internal and published modifications).

NM_002294.3(LAMP2):c.-8G>C

Gene: LAMP2 (lysosomal associated membrane protein 2; minus strand). Cytogenetic location: Xq24.
Variant type: single nucleotide variant.
Coding change: c.-8G>C on transcript NM_002294.3 (MANE Select); 8 bases upstream of the start codon, G replaced by C.
Molecular consequence: 5 prime UTR variant.
Genome position (GRCh38, 1-based): chrX:120,469,177, C>G on the plus strand (G>C on the coding strand, the complement: LAMP2 is on the minus strand). VCF-style: chrX-120469177-C-G. GRCh37 (hg19) VCF-style: chrX-119603032-C-G.
Other names: c.-8G>C (NM_001122606.1, NM_013995.2).
Identifiers: ClinVar variation 3045217 (VCV003045217.2), dbSNP rs768073560, ClinGen allele CA10505379.